The following is an entry in ClinVar:

NM_025081.3(NYNRIN):c.639C>G (p.Asp213Glu)

Gene: NYNRIN (NYN domain and retroviral integrase containing; plus strand). Cytogenetic location: 14q12.
Variant type: single nucleotide variant.
Coding change: c.639C>G on transcript NM_025081.3 (MANE Select); coding-DNA position 639, C replaced by G.
Protein change: p.Asp213Glu; replaces aspartic acid 213 with glutamic acid.
Molecular consequence: missense variant.
Genome position (GRCh38, 1-based): chr14:24,408,309, C>G. VCF-style: chr14-24408309-C-G. GRCh37 (hg19) VCF-style: chr14-24877515-C-G.
Other names: short protein forms D213E.
Identifiers: ClinVar variation 3708388 (VCV003708388.2).

ClinVar aggregate classification (germline): Uncertain significance (1 of 4 stars; one submission).

Submission:

Labcorp Genetics (formerly Invitae), Labcorp
Classification: Uncertain significance. Last evaluated: 2024-10-22. Review status: criteria provided, single submitter. Criteria: Invitae Variant Classification Sherloc (09022015). Collection method: clinical testing. Allele origin: germline.
Comment: This sequence change replaces aspartic acid, which is acidic and polar, with glutamic acid, which is acidic and polar, at codon 213 of the NYNRIN protein (p.Asp213Glu). This variant is present in population databases (rs200319488, gnomAD 0.08%), and has an allele count higher than expected for a pathogenic variant. This variant has not been reported in the literature in individuals affected with NYNRIN-related conditions. Experimental studies and prediction algorithms are not available or were not evaluated, and the functional significance of this variant is currently unknown. In summary, the available evidence is currently insufficient to determine the role of this variant in disease. Therefore, it has been classified as a Variant of Uncertain Significance.